The following is an entry in ClinVar:

ClinVar aggregate classification (germline): Likely pathogenic (1 of 4 stars; one submission).

Conditions:
Congenital hyperammonemia, type I. Also called: Carbamoyl phosphate synthetase 1 deficiency; Hyperammonemia due to carbamoyl phosphate synthetase 1 deficiency; CPS 1 deficiency; Carbamyl phosphate synthetase (CPS) deficiency; CPS I DEFICIENCY; Carbamoyl-phosphate synthase I deficiency. Identifiers: Orphanet 147, MedGen C4082171, MONDO:0009376, OMIM 237300.

Submission:

Myriad Genetics, Inc.
Classification: Likely pathogenic for Congenital hyperammonemia, type I. Last evaluated: 2022-03-20. Review status: criteria provided, single submitter. Criteria: Myriad Women's Health Autosomal Recessive and X-Linked Classification Criteria (2021). Collection method: clinical testing. Allele origin: unknown.
Comment: NM_001875.4(CPS1):c.3319A>T(K1107*) is expected to be pathogenic in the context of carbamoylphosphate synthetase I deficiency. This variant is predicted to lead to an abnormal or absent protein product due to the creation of a premature termination codon in CPS1, a gene where loss-of-function variants are known to be pathogenic. Please note: this variant was assessed in the context of healthy population screening.

NM_001875.5(CPS1):c.3319A>T (p.Lys1107Ter)

Gene: CPS1 (carbamoyl-phosphate synthase 1; plus strand). Cytogenetic location: 2q34.
Variant type: single nucleotide variant.
Coding change: c.3319A>T on transcript NM_001875.5 (MANE Select); coding-DNA position 3319, A replaced by T.
Protein change: p.Lys1107Ter; replaces lysine 1107 with a stop codon.
Molecular consequence: nonsense. On other transcripts: non-coding transcript variant (2).
Genome position (GRCh38, 1-based): chr2:210,648,040, A>T. VCF-style: chr2-210648040-A-T. GRCh37 (hg19) VCF-style: chr2-211512764-A-T.
Other names: c.3319A>T, p.Lys1107Ter (NM_001122633.3, NM_001369257.1); c.3352A>T, p.Lys1118Ter (NM_001369256.1); short protein forms K1107*, K1118*.
Identifiers: ClinVar variation 1725425 (VCV001725425.2), dbSNP rs2469293517, ClinGen allele CA350436392.